The following is an entry in ClinVar:

NM_006648.4(WNK2):c.2908C>T (p.Pro970Ser)

Gene: WNK2 (WNK lysine deficient protein kinase 2; plus strand). Cytogenetic location: 9q22.31.
Variant type: single nucleotide variant.
Coding change: c.2908C>T on transcript NM_006648.4 (MANE Select); coding-DNA position 2908, C replaced by T.
Protein change: p.Pro970Ser; replaces proline 970 with serine.
Molecular consequence: missense variant.
Genome position (GRCh38, 1-based): chr9:93,259,456, C>T. VCF-style: chr9-93259456-C-T. GRCh37 (hg19) VCF-style: chr9-96021738-C-T.
Other names: c.2908C>T, p.Pro970Ser (NM_001282394.3); short protein forms P970S.
Identifiers: ClinVar variation 4866574 (VCV004866574.1).

ClinVar aggregate classification (germline): Uncertain significance (1 of 4 stars; one submission).

gnomAD v4.1: 5 of 1,486,948 alleles (0.00034%); highest among the groups gnomAD compares: Non-Finnish European, 0.00036%; no homozygotes.

Submission:

Ambry Genetics
Classification: Uncertain significance. Last evaluated: 2026-04-10. Review status: criteria provided, single submitter. Criteria: Ambry Variant Classification Scheme 2023. Collection method: clinical testing. Allele origin: germline.
Comment: The p.P970S variant (also known as c.2908C>T), located in coding exon 11 of the WNK2 gene, results from a C to T substitution at nucleotide position 2908. The proline at codon 970 is replaced by serine, an amino acid with similar properties. This amino acid position is conserved. In addition, this alteration is predicted to be tolerated by in silico analysis. Based on the available evidence, the clinical significance of this variant remains unclear.